The following is an entry in ClinVar:

NM_014714.4(IFT140):c.97G>A (p.Ala33Thr)

Genes: IFT140 (intraflagellar transport 140; minus strand), LOC105371046 (uncharacterized LOC105371046; plus strand). Cytogenetic location: 16p13.3.
Variant type: single nucleotide variant.
Coding change: c.97G>A on transcript NM_014714.4 (MANE Select); coding-DNA position 97, G replaced by A.
Protein change: p.Ala33Thr; replaces alanine 33 with threonine.
Molecular consequence: missense variant.
Genome position (GRCh38, 1-based): chr16:1,607,170, C>T on the plus strand (G>A on the coding strand, the complement: IFT140 is on the minus strand). VCF-style: chr16-1607170-C-T. GRCh37 (hg19) VCF-style: chr16-1657171-C-T.
Other names: short protein forms A33T.
Identifiers: ClinVar variation 2190876 (VCV002190876.4), dbSNP rs746383907, ClinGen allele CA7814835.

ClinVar aggregate classification (germline): Uncertain significance (1 of 4 stars; one submission).

Conditions:
Saldino-Mainzer syndrome (SRTD9). Also called: short-rib thoracic dysplasia 9 with or without polydactyly; CONORENAL SYNDROME; Renal dysplasia, retinal pigmentary dystrophy, cerebellar ataxia and skeletal dysplasia; SHORT-RIB THORACIC DYSPLASIA 9 WITHOUT POLYDACTYLY. Identifiers: Orphanet 140969, MedGen C1849437, MONDO:0009964, OMIM 266920.

Allele frequency attached by ClinVar (database versions not stated): gnomAD exomes below 0.00001; ExAC 0.00001.

Submission:

Labcorp Genetics (formerly Invitae), Labcorp
Classification: Uncertain significance for Saldino-Mainzer syndrome. Last evaluated: 2023-08-10. Review status: criteria provided, single submitter. Criteria: Invitae Variant Classification Sherloc (09022015). Collection method: clinical testing. Allele origin: germline.
Comment: This sequence change replaces alanine, which is neutral and non-polar, with threonine, which is neutral and polar, at codon 33 of the IFT140 protein (p.Ala33Thr). This variant is present in population databases (rs746383907, gnomAD 0.003%). This variant has not been reported in the literature in individuals affected with IFT140-related conditions. ClinVar contains an entry for this variant (Variation ID: 2190876). Advanced modeling of protein sequence and biophysical properties (such as structural, functional, and spatial information, amino acid conservation, physicochemical variation, residue mobility, and thermodynamic stability) performed at Invitae indicates that this missense variant is not expected to disrupt IFT140 protein function. In summary, the available evidence is currently insufficient to determine the role of this variant in disease. Therefore, it has been classified as a Variant of Uncertain Significance.